The following is an entry in ClinVar:

ClinVar aggregate classification (germline): Uncertain significance (1 of 4 stars; one submission).

gnomAD v4.1: 1 of 1,614,210 alleles (0.000062%); highest among the groups gnomAD compares: Admixed American, 0.0017%; no homozygotes.

Submission:

Dasa
Classification: Uncertain significance. Last evaluated: 2025-02-25. Review status: criteria provided, single submitter. Criteria: DASA Assertion Criteria. Collection method: clinical testing. Allele origin: germline.
Comment: NM_145046.5(CALR3):c.868G>C (p.Asp290His) is a missense variant that results in the substitution of aspartic acid with histidine. This variant is rare in population databases. Computational prediction algorithms are consistent with a benign effect. The currently available literature and clinical evidence are not sufficient to establish a definitive association between this variant and the reported condition. Therefore, this variant is classified as a variant of uncertain significance.

NM_145046.5(CALR3):c.868G>C (p.Asp290His)

Gene: CALR3 (calreticulin 3; minus strand). Cytogenetic location: 19p13.11.
Variant type: single nucleotide variant.
Coding change: c.868G>C on transcript NM_145046.5 (MANE Select); coding-DNA position 868, G replaced by C.
Protein change: p.Asp290His; replaces aspartic acid 290 with histidine.
Molecular consequence: missense variant.
Genome position (GRCh38, 1-based): chr19:16,482,500, C>G on the plus strand (G>C on the coding strand, the complement: CALR3 is on the minus strand). VCF-style: chr19-16482500-C-G. GRCh37 (hg19) VCF-style: chr19-16593311-C-G.
Other names: short protein forms D290H.
Identifiers: ClinVar variation 4886132 (VCV004886132.2).